The following is an entry in ClinVar:

NM_024009.3(GJB3):c.123G>T (p.Glu41Asp)

Gene: GJB3 (gap junction protein beta 3; plus strand). Cytogenetic location: 1p34.3.
Variant type: single nucleotide variant.
Coding change: c.123G>T on transcript NM_024009.3 (MANE Select); coding-DNA position 123, G replaced by T.
Protein change: p.Glu41Asp; replaces glutamic acid 41 with aspartic acid.
Molecular consequence: missense variant.
Genome position (GRCh38, 1-based): chr1:34,784,885, G>T. VCF-style: chr1-34784885-G-T. GRCh37 (hg19) VCF-style: chr1-35250486-G-T.
Other names: c.123G>T, p.Glu41Asp (NM_001005752.2); short protein forms E41D.
Identifiers: ClinVar variation 1312313 (VCV001312313.8), dbSNP rs147459176, ClinGen allele CA754753.

ClinVar aggregate classification (germline): Uncertain significance. Review status: criteria provided, multiple submitters, no conflicts (2 of 4 stars). 3 submissions from 3 submitters: Uncertain significance (3). Last evaluated 2025-10-21.

Conditions:
Inborn genetic diseases. Identifiers: MedGen C0950123, MeSH D030342.

Allele frequency attached by ClinVar (database versions not stated): gnomAD exomes 0.00001 and 0.00006; ExAC 0.00006; gnomAD 0.00012 and 0.00013; TOPMed 0.00015; 1000 Genomes Project 0.00060; 1000 Genomes Project 30x 0.00062.
gnomAD v4.1: 43 of 1,614,164 alleles (0.0027%); highest among the groups gnomAD compares: African/African-American, 0.045%; no homozygotes.

Submissions (3):

Ambry Genetics
Classification: Uncertain significance for Inborn genetic diseases. Last evaluated: 2025-10-21. Review status: criteria provided, single submitter. Criteria: Ambry Variant Classification Scheme 2023. Collection method: clinical testing. Allele origin: germline.

GeneDx
Classification: Uncertain significance. Last evaluated: 2025-04-21. Review status: criteria provided, single submitter. Criteria: GeneDx Variant Classification Process June 2021. Collection method: clinical testing. Allele origin: germline. Affected: yes.
Comment: In silico analysis supports that this missense variant has a deleterious effect on protein structure/function; Has not been previously published as pathogenic or benign to our knowledge

Labcorp Genetics (formerly Invitae), Labcorp
Classification: Uncertain significance. Last evaluated: 2025-03-31. Review status: criteria provided, single submitter. Criteria: Invitae Variant Classification Sherloc (09022015). Collection method: clinical testing. Allele origin: germline.
Comment: This sequence change replaces glutamic acid, which is acidic and polar, with aspartic acid, which is acidic and polar, at codon 41 of the GJB3 protein (p.Glu41Asp). This variant is present in population databases (rs147459176, gnomAD 0.06%). This variant has not been reported in the literature in individuals affected with GJB3-related conditions. ClinVar contains an entry for this variant (Variation ID: 1312313). Invitae Evidence Modeling of protein sequence and biophysical properties (such as structural, functional, and spatial information, amino acid conservation, physicochemical variation, residue mobility, and thermodynamic stability) indicates that this missense variant is not expected to disrupt GJB3 protein function with a negative predictive value of 80%. In summary, the available evidence is currently insufficient to determine the role of this variant in disease. Therefore, it has been classified as a Variant of Uncertain Significance.